The following is an entry in ClinVar:

ClinVar aggregate classification (germline): Uncertain significance. Review status: criteria provided, multiple submitters, no conflicts (2 of 4 stars). 4 submissions from 4 submitters: Uncertain significance (4). Last evaluated 2026-01-12.

Conditions:
Inborn genetic diseases. Identifiers: MedGen C0950123, MeSH D030342.
Aicardi-Goutieres syndrome 6 (AGS6). Identifiers: Orphanet 51, MedGen C3539013, MONDO:0014007, OMIM 615010.
Symmetrical dyschromatosis of extremities (DSH). Also called: Dyschromatosis symmetrica hereditaria; DYSCHROMATOSIS SYMMETRICA HEREDITARIA 1; RETICULATE ACROPIGMENTATION OF DOHI; SYMMETRIC DYSCHROMATOSIS OF THE EXTREMITIES. Identifiers: Orphanet 41, MedGen C0406775, MONDO:0007483, OMIM 127400.

Allele frequency attached by ClinVar (database versions not stated): gnomAD exomes 0.00004 and 0.00002; gnomAD 0.00001; ExAC 0.00003; TOPMed 0.00003.
gnomAD v4.1: 25 of 1,614,042 alleles (0.0015%); highest among the groups gnomAD compares: Admixed American, 0.025%; no homozygotes.

Submissions (4):

Labcorp Genetics (formerly Invitae), Labcorp
Classification: Uncertain significance for Aicardi-Goutieres syndrome 6; Symmetrical dyschromatosis of extremities. Last evaluated: 2026-01-12. Review status: criteria provided, single submitter. Criteria: Invitae Variant Classification Sherloc (09022015). Collection method: clinical testing. Allele origin: germline.
Comment: This sequence change replaces arginine, which is basic and polar, with glutamine, which is neutral and polar, at codon 474 of the ADAR protein (p.Arg474Gln). This variant is present in population databases (rs759679549, gnomAD 0.03%). This variant has not been reported in the literature in individuals affected with ADAR-related conditions. ClinVar contains an entry for this variant (Variation ID: 639802). Invitae Evidence Modeling of protein sequence and biophysical properties (such as structural, functional, and spatial information, amino acid conservation, physicochemical variation, residue mobility, and thermodynamic stability) indicates that this missense variant is not expected to disrupt ADAR protein function with a negative predictive value of 80%. In summary, the available evidence is currently insufficient to determine the role of this variant in disease. Therefore, it has been classified as a Variant of Uncertain Significance.

Ambry Genetics
Classification: Uncertain significance for Inborn genetic diseases. Last evaluated: 2024-04-15. Review status: criteria provided, single submitter. Criteria: Ambry Variant Classification Scheme 2023. Collection method: clinical testing. Allele origin: germline.

Genome-Nilou Lab
Classification: Uncertain significance for Aicardi-Goutieres syndrome 6. Last evaluated: 2023-04-11. Review status: criteria provided, single submitter. Criteria: ACMG Guidelines, 2015. Collection method: clinical testing. Allele origin: germline. Affected: no.

Fulgent Genetics
Classification: Uncertain significance for Symmetrical dyschromatosis of extremities; Aicardi-Goutieres syndrome 6. Last evaluated: 2021-07-04. Review status: criteria provided, single submitter. Criteria: ACMG Guidelines, 2015. Collection method: clinical testing. Allele origin: unknown.

NM_001111.5(ADAR):c.1421G>A (p.Arg474Gln)

Gene: ADAR (adenosine deaminase RNA specific; minus strand). Cytogenetic location: 1q21.3.
Variant type: single nucleotide variant.
Coding change: c.1421G>A on transcript NM_001111.5 (MANE Select); coding-DNA position 1421, G replaced by A.
Protein change: p.Arg474Gln; replaces arginine 474 with glutamine.
Molecular consequence: missense variant.
Genome position (GRCh38, 1-based): chr1:154,601,221, C>T on the plus strand (G>A on the coding strand, the complement: ADAR is on the minus strand). VCF-style: chr1-154601221-C-T. GRCh37 (hg19) VCF-style: chr1-154573697-C-T.
Other names: c.1421G>A, p.Arg474Gln (LRG_1212t1, NM_015840.4, NM_015841.4); c.536G>A, p.Arg179Gln (NM_001025107.3, NM_001193495.2, NM_001365046.1 and 3 more transcripts); c.1448G>A, p.Arg483Gln (NM_001365045.1); short protein forms R179Q, R483Q, R474Q.
Identifiers: ClinVar variation 639802 (VCV000639802.9), dbSNP rs759679549, ClinGen allele CA1131550.